The following is an entry in ClinVar:

ClinVar aggregate classification (germline): Uncertain significance (0 of 4 stars; one submission).

Conditions:
MEIS1-related disorder. Also called: MEIS1-related condition.

gnomAD v4.1: 67 of 1,605,698 alleles (0.0042%); highest among the groups gnomAD compares: Admixed American, 0.0085%; no homozygotes.

Submission:

PreventionGenetics, part of Exact Sciences
Classification: Uncertain significance for MEIS1-related condition. Last evaluated: 2024-07-25. Review status: no assertion criteria provided. Collection method: clinical testing. Allele origin: germline.
Comment: The MEIS1 c.671G>A variant is predicted to result in the amino acid substitution p.Arg224His. To our knowledge, this variant has not been reported in the literature. This variant is reported in 0.0088% of alleles in individuals of Latino descent in gnomAD. At this time, the clinical significance of this variant is uncertain due to the absence of conclusive functional and genetic evidence.

NM_002398.3(MEIS1):c.671G>A (p.Arg224His)

Gene: MEIS1 (Meis homeobox 1; plus strand). Cytogenetic location: 2p14.
Variant type: single nucleotide variant.
Coding change: c.671G>A on transcript NM_002398.3 (MANE Select); coding-DNA position 671, G replaced by A.
Protein change: p.Arg224His; replaces arginine 224 with histidine.
Molecular consequence: missense variant.
Genome position (GRCh38, 1-based): chr2:66,464,149, G>A. VCF-style: chr2-66464149-G-A. GRCh37 (hg19) VCF-style: chr2-66691281-G-A.
Other names: short protein forms R224H.
Identifiers: ClinVar variation 3351832 (VCV003351832.1).